The following is an entry in ClinVar:

ClinVar aggregate classification (germline): Uncertain significance (1 of 4 stars; one submission).

Conditions:
Progressive familial heart block type IB (PFHB1B). Identifiers: Orphanet 871, MedGen C1970298, MONDO:0011474, OMIM 604559.

gnomAD v4.1: 1 of 1,614,120 alleles (0.000062%); highest among the groups gnomAD compares: East Asian, 0.0022%; no homozygotes.

Submission:

Labcorp Genetics (formerly Invitae), Labcorp
Classification: Uncertain significance for Progressive familial heart block type IB. Last evaluated: 2026-01-17. Review status: criteria provided, single submitter. Criteria: Invitae Variant Classification Sherloc (09022015). Collection method: clinical testing. Allele origin: germline.
Comment: This sequence change replaces lysine, which is basic and polar, with asparagine, which is neutral and polar, at codon 1129 of the TRPM4 protein (p.Lys1129Asn). This variant is present in population databases (no rsID available, gnomAD 0.006%). This variant has not been reported in the literature in individuals affected with TRPM4-related conditions. An algorithm developed to predict the effect of missense changes on protein structure and function outputs the following: PolyPhen-2: "Probably Damaging". The asparagine amino acid residue is found in multiple mammalian species, which suggests that this missense change does not adversely affect protein function. In summary, the available evidence is currently insufficient to determine the role of this variant in disease. Therefore, it has been classified as a Variant of Uncertain Significance.

NM_017636.4(TRPM4):c.3387G>T (p.Lys1129Asn)

Gene: TRPM4 (transient receptor potential cation channel subfamily M member 4; plus strand). Cytogenetic location: 19q13.33.
Variant type: single nucleotide variant.
Coding change: c.3387G>T on transcript NM_017636.4 (MANE Select); coding-DNA position 3387, G replaced by T.
Protein change: p.Lys1129Asn; replaces lysine 1129 with asparagine.
Molecular consequence: missense variant.
Genome position (GRCh38, 1-based): chr19:49,210,768, G>T. VCF-style: chr19-49210768-G-T. GRCh37 (hg19) VCF-style: chr19-49714025-G-T.
Other names: c.2952G>T, p.Lys984Asn (NM_001195227.2); c.3042G>T, p.Lys1014Asn (NM_001321281.2); c.1779G>T, p.Lys593Asn (NM_001321282.2); c.2865G>T, p.Lys955Asn (NM_001321283.2); c.2325G>T, p.Lys775Asn (NM_001321285.2); short protein forms K1014N, K775N, K1129N, K593N, K955N, K984N.
Identifiers: ClinVar variation 4701701 (VCV004701701.1).